The following is an entry in ClinVar:

ClinVar aggregate classification (germline): Uncertain significance (1 of 4 stars; one submission).

Submission:

GeneDx
Classification: Uncertain significance. Last evaluated: 2025-02-27. Review status: criteria provided, single submitter. Criteria: GeneDx Variant Classification Process June 2021. Collection method: clinical testing. Allele origin: germline. Affected: yes.
Comment: Not observed at significant frequency in large population cohorts (gnomAD); In silico analysis supports that this missense variant has a deleterious effect on protein structure/function; Has not been previously published as pathogenic or benign to our knowledge

NM_006015.6(ARID1A):c.3473G>A (p.Gly1158Glu)

Genes: ARID1A (AT-rich interaction domain 1A; plus strand), LOC126805670 (CDK7 strongly-dependent group 2 enhancer GRCh37_chr1:27098665-27099864; plus strand). Cytogenetic location: 1p36.11.
Variant type: single nucleotide variant.
Coding change: c.3473G>A on transcript NM_006015.6 (MANE Select); coding-DNA position 3473, G replaced by A.
Protein change: p.Gly1158Glu; replaces glycine 1158 with glutamic acid.
Molecular consequence: missense variant.
Genome position (GRCh38, 1-based): chr1:26,772,566, G>A. VCF-style: chr1-26772566-G-A. GRCh37 (hg19) VCF-style: chr1-27099057-G-A.
Other names: c.3473G>A, p.Gly1158Glu (NM_139135.4); short protein forms G1158E.
Identifiers: ClinVar variation 4077294 (VCV004077294.1).